The following is an entry in ClinVar:

NM_152564.5(VPS13B):c.2516-3T>A

Gene: VPS13B (vacuolar protein sorting 13 homolog B; plus strand). Cytogenetic location: 8q22.2.
Variant type: single nucleotide variant.
Coding change: c.2516-3T>A on transcript NM_152564.5 (MANE Select); 3 bases into the intron before coding-DNA position 2516, T replaced by A.
Molecular consequence: intron variant.
Genome position (GRCh38, 1-based): chr8:99,274,195, T>A. VCF-style: chr8-99274195-T-A. GRCh37 (hg19) VCF-style: chr8-100286423-T-A.
Other names: c.2516-3T>A (NM_017890.3, NM_017890.5, NM_152564.4).
Identifiers: ClinVar variation 845689 (VCV000845689.17), dbSNP rs377723973, ClinGen allele CA182929577.
Genomic context (GRCh38, chr8:99,274,195, plus strand): 5'-TGAAGGAATATAAAAATTATTTAAATTCAATCGGCTAGTACATTTGCAGTTTTCTTTTAT[T>A]AGGTGTGAAATCTAAGAATCCCCTGCCAACTCTTGAGGGCTCAATCCAGAATGTTGAATT-3'

ClinVar aggregate classification (germline): Conflicting classifications of pathogenicity. Review status: criteria provided, conflicting classifications (1 of 4 stars). 6 submissions from 6 submitters: Uncertain significance (4); Likely benign (1). 1 of the submissions does not count toward it. Last evaluated 2026-05-13.

Conditions:
Cohen syndrome (COH1). Also called: PEPPER SYNDROME; Cutis verticis gyrata, retinitis pigmentosa, and sensorineural deafness. Identifiers: Orphanet 193, MedGen C0265223, MONDO:0008999, OMIM 216550.
VPS13B-related disorder. Also called: VPS13B-related condition.
Inborn genetic diseases. Identifiers: MedGen C0950123, MeSH D030342.

Allele frequency attached by ClinVar (database versions not stated): TOPMed below 0.00001; gnomAD 0.00001; gnomAD exomes 0.00001.
gnomAD v4.1: 23 of 1,614,106 alleles (0.0014%); highest among the groups gnomAD compares: African/African-American, 0.011%; no homozygotes.

Submissions (6):

PreventionGenetics, part of Exact Sciences
Classification: Uncertain significance for VPS13B-related condition. Last evaluated: 2026-05-13. Review status: criteria provided, single submitter. Criteria: ACMG Guidelines, 2015. Collection method: clinical testing. Allele origin: germline.
Comment: The VPS13B c.2516-3T>A variant is predicted to interfere with splicing. This variant is predicted to impact splicing based on one available splicing algorithm (SpliceAI, Jaganathan et al. 2019. PubMed ID: 30661751); however, one in vitro study indicated that this variant did not impact splicing (Ichikawa et al. 2026. PubMed ID: 41783521). To our knowledge, this variant has not been reported in the literature or in a large population database (gnomAD), indicating this variant is rare. At this time, the clinical significance of this variant is uncertain due to the absence of conclusive functional and genetic evidence.

Labcorp Genetics (formerly Invitae), Labcorp
Classification: Uncertain significance for Cohen syndrome. Last evaluated: 2025-08-21. Review status: criteria provided, single submitter. Criteria: Invitae Variant Classification Sherloc (09022015). Collection method: clinical testing. Allele origin: germline.
Comment: This sequence change falls in intron 17 of the VPS13B gene. It does not directly change the encoded amino acid sequence of the VPS13B protein. It affects a nucleotide within the consensus splice site. This variant is not present in population databases (gnomAD no frequency). This variant has not been reported in the literature in individuals affected with VPS13B-related conditions. ClinVar contains an entry for this variant (Variation ID: 845689). Variants that disrupt the consensus splice site are a relatively common cause of aberrant splicing (PMID: 17576681, 9536098). Algorithms developed to predict the effect of sequence changes on RNA splicing suggest that this variant may disrupt the consensus splice site. In summary, the available evidence is currently insufficient to determine the role of this variant in disease. Therefore, it has been classified as a Variant of Uncertain Significance.

Blueprint Genetics
Classification: Uncertain significance. Last evaluated: 2022-06-08. Review status: criteria provided, single submitter. Criteria: ACMG Guidelines, 2015. Collection method: clinical testing. Allele origin: germline.

Revvity Omics, Revvity
Classification: Uncertain significance for Cohen syndrome. Last evaluated: 2022-05-12. Review status: criteria provided, single submitter. Criteria: ACMG Guidelines, 2015. Collection method: clinical testing. Allele origin: germline.

Ambry Genetics
Classification: Likely benign for Inborn genetic diseases. Last evaluated: 2018-10-08. Review status: criteria provided, single submitter. Criteria: Ambry Variant Classification Scheme 2023. Collection method: clinical testing. Allele origin: germline.

Natera, Inc.
Classification: Uncertain significance for Cohen syndrome. Last evaluated: 2021-04-30. Review status: no assertion criteria provided. Collection method: clinical testing. Allele origin: germline. Not counted in ClinVar's aggregate classification.

Literature cited by the submitters: PubMed 17576681 (cited by Labcorp Genetics (formerly Invitae), Labcorp); PubMed 9536098 (cited by Labcorp Genetics (formerly Invitae), Labcorp).